The following is an entry in ClinVar:

NM_015047.3(EMC1):c.1783-8C>A

Genes: EMC1 (ER membrane protein complex subunit 1; minus strand), EMC1-AS1 (EMC1 antisense RNA 1; plus strand). Cytogenetic location: 1p36.13.
Variant type: single nucleotide variant.
Coding change: c.1783-8C>A on transcript NM_015047.3 (MANE Select); 8 bases into the intron before coding-DNA position 1783, C replaced by A.
Molecular consequence: intron variant.
Genome position (GRCh38, 1-based): chr1:19,231,430, G>T on the plus strand (C>A on the coding strand, the complement: EMC1 is on the minus strand). VCF-style: chr1-19231430-G-T. GRCh37 (hg19) VCF-style: chr1-19557924-G-T.
Other names: c.1783-8C>A (NM_015047.1); c.1717-8C>A (NM_001271429.2); c.1780-8C>A (NM_001271427.2, NM_001271428.2); c.1789-8C>A (NM_001375821.1); c.1792-8C>A (NM_001375820.1).
Identifiers: ClinVar variation 2102090 (VCV002102090.6), dbSNP rs1323481821, ClinGen allele CA999271730.

ClinVar aggregate classification (germline): Conflicting classifications of pathogenicity. Review status: criteria provided, conflicting classifications (1 of 4 stars). 3 submissions from 3 submitters: Uncertain significance (2); Likely benign (1). Last evaluated 2024-07-18.

Conditions:
Inborn genetic diseases. Identifiers: MedGen C0950123, MeSH D030342.

Allele frequency attached by ClinVar (database versions not stated): gnomAD 0.00001.
gnomAD v4.1: 2 of 1,609,782 alleles (0.00012%); highest among the groups gnomAD compares: South Asian, 0.0011%; no homozygotes.

Submissions (3):

Ambry Genetics
Classification: Uncertain significance for Inborn genetic diseases. Last evaluated: 2024-07-18. Review status: criteria provided, single submitter. Criteria: Ambry Variant Classification Scheme 2023. Collection method: clinical testing. Allele origin: germline.
Comment: The c.1783-8C>A intronic alteration results from a C to A substitution 8 nucleotides before coding exon 16 of the EMC1 gene. Based on data from gnomAD, the A allele has an overall frequency of 0.001% (1/152178) total alleles studied. The highest observed frequency was 0.001% (1/68038) of European (non-Finnish) alleles. This nucleotide position is not well conserved in available vertebrate species. RNA studies have demonstrated that this alteration results in a transcript predicted to lead to a protein with an in-frame deletion of 54 amino acids; however, the exact functional impact of the deleted amino acids is unknown at this time (Ambry internal data). In silico splice site analysis predicts that this alteration may weaken the native splice acceptor site. Based on insufficient or conflicting evidence, the clinical significance of this alteration remains unclear.

GeneDx
Classification: Uncertain significance. Last evaluated: 2024-03-25. Review status: criteria provided, single submitter. Criteria: GeneDx Variant Classification Process June 2021. Collection method: clinical testing. Allele origin: germline. Affected: yes.
Comment: Not observed at significant frequency in large population cohorts (gnomAD); In silico analysis is inconclusive as to whether the variant alters gene splicing. In the absence of RNA/functional studies, the actual effect of this sequence change is unknown.; Has not been previously published as pathogenic or benign to our knowledge

Labcorp Genetics (formerly Invitae), Labcorp
Classification: Likely benign. Last evaluated: 2024-03-11. Review status: criteria provided, single submitter. Criteria: Invitae Variant Classification Sherloc (09022015). Collection method: clinical testing. Allele origin: germline.